The following is an entry in ClinVar:

ClinVar aggregate classification (germline): Uncertain significance (1 of 4 stars; one submission).

Conditions:
Arrhythmogenic right ventricular dysplasia 13. Also called: ARRHYTHMOGENIC RIGHT VENTRICULAR CARDIOMYOPATHY 13; Arrhythmogenic right ventricular dysplasia, familial, 13. Identifiers: MedGen C3810138, MONDO:0000908, OMIM 615616.

gnomAD v4.1: 1 of 1,611,998 alleles (0.000062%); highest among the groups gnomAD compares: Admixed American, 0.0017%; no homozygotes.

Submission:

Labcorp Genetics (formerly Invitae), Labcorp
Classification: Uncertain significance for Arrhythmogenic right ventricular dysplasia 13. Last evaluated: 2022-06-13. Review status: criteria provided, single submitter. Criteria: Invitae Variant Classification Sherloc (09022015). Collection method: clinical testing. Allele origin: germline.
Comment: This sequence change replaces serine, which is neutral and polar, with threonine, which is neutral and polar, at codon 760 of the CTNNA3 protein (p.Ser760Thr). In summary, the available evidence is currently insufficient to determine the role of this variant in disease. Therefore, it has been classified as a Variant of Uncertain Significance. Algorithms developed to predict the effect of missense changes on protein structure and function are either unavailable or do not agree on the potential impact of this missense change (SIFT: "Tolerated"; PolyPhen-2: "Not Available"; Align-GVGD: "Class C0"). ClinVar contains an entry for this variant (Variation ID: 998404). This variant has not been reported in the literature in individuals affected with CTNNA3-related conditions. This variant is present in population databases (no rsID available, gnomAD 0.003%).

NM_013266.4(CTNNA3):c.2278T>A (p.Ser760Thr)

Gene: CTNNA3 (catenin alpha 3; minus strand). Cytogenetic location: 10q21.3.
Variant type: single nucleotide variant.
Coding change: c.2278T>A on transcript NM_013266.4 (MANE Select); coding-DNA position 2278, T replaced by A.
Protein change: p.Ser760Thr; replaces serine 760 with threonine.
Molecular consequence: missense variant.
Genome position (GRCh38, 1-based): chr10:65,966,734, A>T on the plus strand (T>A on the coding strand, the complement: CTNNA3 is on the minus strand). VCF-style: chr10-65966734-A-T. GRCh37 (hg19) VCF-style: chr10-67726492-A-T.
Other names: c.2278T>A, p.Ser760Thr (NM_001127384.3); short protein forms S760T.
Identifiers: ClinVar variation 998404 (VCV000998404.10), dbSNP rs760532002, ClinGen allele CA377090150.
Genomic context (GRCh38, chr10:65,966,734, plus strand): 5'-TCAGTTGGTGGGAGTAGAACTTAATCTGTTCCAGGTAGGCCAACAAGTCCTGTTTACAAG[A>T]TGGATCTGGGCACTAAATATGAATCAAAGATAAAAATAGATACAGCAGAATAAATAATAG-3'
Protein context (NP_037398.2, residues 750-770): RQIANQCPDP[Ser760Thr]CKQDLLAYLE